The following is an entry in ClinVar:

ClinVar aggregate classification (germline): Uncertain significance. Review status: criteria provided, multiple submitters, no conflicts (2 of 4 stars). 3 submissions from 3 submitters: Uncertain significance (3). Last evaluated 2024-01-23.

Conditions:
Hyperprolinemia type 2 (HYRPRO2). Also called: Deficiency of pyrroline-5-carboxylate reductase; Delta-1-pyrroline-5-carboxylate dehydrogenase deficiency; 1-PYRROLINE-5-CARBOXYLATE DEHYDROGENASE DEFICIENCY. Identifiers: Orphanet 79101, MedGen C2931835, MONDO:0009401, OMIM 239510.

Allele frequency attached by ClinVar (database versions not stated): gnomAD exomes 0.00012 and 0.00023; 1000 Genomes Project 0.00020; ESP Exome Variant Server 0.00023; ExAC 0.00024; 1000 Genomes Project 30x 0.00047; gnomAD 0.00066 and 0.00070; TOPMed 0.00088.
gnomAD v4.1: 283 of 1,552,904 alleles (0.018%); highest among the groups gnomAD compares: African/African-American, 0.17%; 1 homozygote.

Submissions (3):

Women's Health and Genetics/Laboratory Corporation of America, LabCorp
Classification: Uncertain significance. Last evaluated: 2024-01-23. Review status: criteria provided, single submitter. Criteria: LabCorp Variant Classification Summary - May 2015. Collection method: clinical testing. Allele origin: germline.
Comment: Variant summary: ALDH4A1 c.199G>A (p.Val67Met) results in a conservative amino acid change in the encoded protein sequence. Three of five in-silico tools predict a benign effect of the variant on protein function. The variant allele was found at a frequency of 0.00018 in 1552904 control chromosomes, predominantly at a frequency of 0.0017 within the African or African-American subpopulation in the gnomAD database, including 1 homozygote. c.199G>A has been reported in the literature as a VUS in at least one individual affected with epilepsy without evidence for causality (e.g. Won_2020). These report(s) do not provide unequivocal conclusions about association of the variant with Deficiency of pyrroline-5-carboxylate reductase. To our knowledge, no experimental evidence demonstrating an impact on protein function has been reported. The following publication has been ascertained in the context of this evaluation (PMID: 32695065). ClinVar contains an entry for this variant (Variation ID: 973437). Based on the evidence outlined above, the variant was classified as uncertain significance.

Labcorp Genetics (formerly Invitae), Labcorp
Classification: Uncertain significance for Hyperprolinemia type 2. Last evaluated: 2022-07-28. Review status: criteria provided, single submitter. Criteria: Invitae Variant Classification Sherloc (09022015). Collection method: clinical testing. Allele origin: germline.
Comment: This sequence change replaces valine, which is neutral and non-polar, with methionine, which is neutral and non-polar, at codon 67 of the ALDH4A1 protein (p.Val67Met). This variant is present in population databases (rs141327098, gnomAD 0.2%). This variant has not been reported in the literature in individuals affected with ALDH4A1-related conditions. ClinVar contains an entry for this variant (Variation ID: 973437). Algorithms developed to predict the effect of missense changes on protein structure and function are either unavailable or do not agree on the potential impact of this missense change (SIFT: "Deleterious"; PolyPhen-2: "Probably Damaging"; Align-GVGD: "Class C0"). In summary, the available evidence is currently insufficient to determine the role of this variant in disease. Therefore, it has been classified as a Variant of Uncertain Significance.

Elsea Laboratory, Baylor College of Medicine
Classification: Uncertain significance for Hyperprolinemia type 2. Last evaluated: 2020-04-01. Review status: criteria provided, single submitter. Criteria: ACMG Guidelines, 2015. Collection method: clinical testing. Allele origin: germline. Affected: no.

Literature cited by the submitters: PubMed 32695065 (cited by Women's Health and Genetics/Laboratory Corporation of America, LabCorp).

NM_003748.4(ALDH4A1):c.199G>A (p.Val67Met)

Gene: ALDH4A1 (aldehyde dehydrogenase 4 family member A1; minus strand). Cytogenetic location: 1p36.13.
Variant type: single nucleotide variant.
Coding change: c.199G>A on transcript NM_003748.4 (MANE Select); coding-DNA position 199, G replaced by A.
Protein change: p.Val67Met; replaces valine 67 with methionine.
Molecular consequence: missense variant.
Genome position (GRCh38, 1-based): chr1:18,889,412, C>T on the plus strand (G>A on the coding strand, the complement: ALDH4A1 is on the minus strand). VCF-style: chr1-18889412-C-T. GRCh37 (hg19) VCF-style: chr1-19215906-C-T.
Other names: c.19G>A, p.Val7Met (NM_001161504.2); c.199G>A, p.Val67Met (NM_001319218.2, NM_170726.3); short protein forms V7M, V67M.
Identifiers: ClinVar variation 973437 (VCV000973437.6), dbSNP rs141327098, ClinGen allele CA647457.